The following is an entry in ClinVar:

NM_004376.5(COX15):c.-435C>T

Genes: CUTC (cutC copper transporter; plus strand), COX15 (cytochrome c oxidase assembly factor COX15; minus strand). Cytogenetic location: 10q24.2.
Variant type: single nucleotide variant.
Coding change: c.-435C>T on transcript NM_004376.5; 435 bases upstream of the start codon, C replaced by T.
Molecular consequence: intron variant (on NM_015960.3).
Genome position (GRCh38, 1-based): chr10:99,732,484, G>A on the plus strand (C>T on the coding strand, the complement: COX15 is on the minus strand). VCF-style: chr10-99732484-G-A. GRCh37 (hg19) VCF-style: chr10-101492241-G-A.
Other names: c.-435C>T (NM_078470.4); c.61+75G>A (NM_015960.3).
Identifiers: ClinVar variation 298432 (VCV000298432.10), dbSNP rs2231675, ClinGen allele CA10629659.

ClinVar aggregate classification (germline): Benign. Review status: criteria provided, multiple submitters, no conflicts (2 of 4 stars). 3 submissions from 3 submitters: Benign (3). Last evaluated 2018-06-23.

Conditions:
Leigh syndrome (NULS). Also called: Leigh's necrotizing encephalopathy; Leigh's disease; Leigh's syndrome; Leigh Syndrome (mtDNA deletion); Leigh Disease; LEIGH SYNDROME, NUCLEAR. Identifiers: Orphanet 506, MedGen C2931891, MONDO:0009723, OMIM 256000.

Allele frequency attached by ClinVar (database versions not stated): 1000 Genomes Project 30x 0.54575; gnomAD 0.54408 and 0.54858; 1000 Genomes Project 0.53874; TOPMed 0.54775.
gnomAD v4.1: 898,395 of 1,543,978 alleles (58%); highest among the groups gnomAD compares: Middle Eastern, 72%; 263,991 homozygotes.

Submissions (3):

GeneDx
Classification: Benign. Last evaluated: 2018-06-23. Review status: criteria provided, single submitter. Criteria: GeneDx Variant Classification Process June 2021. Collection method: clinical testing. Allele origin: germline. Affected: yes.

Illumina Laboratory Services, Illumina
Classification: Benign for Leigh syndrome. Last evaluated: 2018-01-13. Review status: criteria provided, single submitter. Criteria: ICSL Variant Classification Criteria 13 December 2019. Collection method: clinical testing. Allele origin: germline.
Comment: This variant was observed in the ICSL laboratory as part of a predisposition screen in an ostensibly healthy population. It had not been previously curated by ICSL or reported in the Human Gene Mutation Database (HGMD: prior to June 1st, 2018), and was therefore a candidate for classification through an automated scoring system. Utilizing variant allele frequency, disease prevalence and penetrance estimates, and inheritance mode, an automated score was calculated to assess if this variant is too frequent to cause the disease. Based on the score and internal cut-off values, a variant classified as benign is not then subjected to further curation. The score for this variant resulted in a classification of benign for this disease.

Breakthrough Genomics
Classification: Benign. Review status: criteria provided, single submitter. Criteria: ACMG Guidelines, 2015. Collection method: not provided. Allele origin: germline. Inheritance: Unknown mechanism. Affected: yes.